The following is an entry in ClinVar:

ClinVar aggregate classification (germline): Pathogenic (1 of 4 stars; one submission).

Conditions:
PRPH2-related disorder. Also called: PRPH2-related condition; PRPH2-related disorders. Identifiers: MedGen CN239395.

Submission:

Labcorp Genetics (formerly Invitae), Labcorp
Classification: Pathogenic for PRPH2-related disorder. Last evaluated: 2025-09-10. Review status: criteria provided, single submitter. Criteria: Invitae Variant Classification Sherloc (09022015). Collection method: clinical testing. Allele origin: germline.
Comment: This sequence change creates a premature translational stop signal (p.Phe74Asnfs*26) in the PRPH2 gene. It is expected to result in an absent or disrupted protein product. Loss-of-function variants in PRPH2 are known to be pathogenic (PMID: 8111389, 8485575, 8485576, 8675410, 16916875, 17504850, 22863181, 25675413, 26061163, 27365499, 29555955, 33546218). This variant is not present in population databases (gnomAD no frequency). This variant has not been reported in the literature in individuals affected with PRPH2-related conditions. For these reasons, this variant has been classified as Pathogenic.

Literature cited by the submitters: PubMed 8111389; PubMed 8485575; PubMed 8485576; PubMed 8675410; PubMed 16916875; PubMed 17504850; PubMed 22863181; PubMed 25675413; PubMed 26061163; PubMed 27365499; PubMed 29555955; PubMed 33546218.

NM_000322.5(PRPH2):c.219_220insAA (p.Phe74fs)

Gene: PRPH2 (peripherin 2; minus strand). Cytogenetic location: 6p21.1.
Variant type: Insertion.
Coding change: c.219_220insAA on transcript NM_000322.5 (MANE Select); coding-DNA positions 219 to 220, AA inserted.
Protein change: p.Phe74fs; shifts the reading frame from phenylalanine 74.
Molecular consequence: frameshift variant.
Genome position: GRCh38 VCF-style: chr6-42722115-A-ATT. GRCh37 (hg19) VCF-style: chr6-42689853-A-ATT.
Other names: short protein forms F74fs.
Identifiers: ClinVar variation 4719772 (VCV004719772.1).